The following is an entry in ClinVar:

ClinVar aggregate classification (germline): Uncertain significance (1 of 4 stars; one submission).

Conditions:
Inborn genetic diseases. Identifiers: MedGen C0950123, MeSH D030342.

Submission:

Ambry Genetics
Classification: Uncertain significance for Inborn genetic diseases. Last evaluated: 2026-03-13. Review status: criteria provided, single submitter. Criteria: Ambry Variant Classification Scheme 2023. Collection method: clinical testing. Allele origin: germline.
Comment: The p.Q156E variant (also known as c.466C>G), located in coding exon 1 of the FANCM gene, results from a C to G substitution at nucleotide position 466. The glutamine at codon 156 is replaced by glutamic acid, an amino acid with highly similar properties. This amino acid position is conserved. In addition, this alteration is predicted to be tolerated by in silico analysis. Based on the available evidence, the clinical significance of this variant remains unclear.

NM_020937.4(FANCM):c.466C>G (p.Gln156Glu)

Gene: FANCM (FA complementation group M; plus strand). Cytogenetic location: 14q21.2.
Variant type: single nucleotide variant.
Coding change: c.466C>G on transcript NM_020937.4 (MANE Select); coding-DNA position 466, C replaced by G.
Protein change: p.Gln156Glu; replaces glutamine 156 with glutamic acid.
Molecular consequence: missense variant.
Genome position (GRCh38, 1-based): chr14:45,136,497, C>G. VCF-style: chr14-45136497-C-G. GRCh37 (hg19) VCF-style: chr14-45605700-C-G.
Other names: c.466C>G, p.Gln156Glu (NM_001308133.2, NM_001308134.2); short protein forms Q156E.
Identifiers: ClinVar variation 4826032 (VCV004826032.1).